The following is an entry in ClinVar:

NM_000179.3(MSH6):c.484G>T (p.Gly162Ter)

Gene: MSH6 (mutS homolog 6; plus strand). Cytogenetic location: 2p16.3.
Variant type: single nucleotide variant.
Coding change: c.484G>T on transcript NM_000179.3 (MANE Select); coding-DNA position 484, G replaced by T.
Protein change: p.Gly162Ter; replaces glycine 162 with a stop codon.
Molecular consequence: nonsense. On other transcripts: 5 prime UTR variant (1), intron variant (2).
Genome position (GRCh38, 1-based): chr2:47,795,920, G>T. VCF-style: chr2-47795920-G-T. GRCh37 (hg19) VCF-style: chr2-48023059-G-T.
Other names: c.-419G>T (NM_001281494.2); c.580G>T, p.Gly194Ter (NM_001406795.1, NM_001406802.1); c.484G>T, p.Gly162Ter (NM_001406796.1, NM_001406798.1, NM_001406800.1 and 5 more transcripts); c.187G>T, p.Gly63Ter (NM_001406797.1, NM_001406801.1, NM_001406805.1 and 10 more transcripts); c.-42G>T (NM_001406799.1, NM_001406806.1, NM_001406807.1); c.406G>T, p.Gly136Ter (NM_001406804.1); c.490G>T, p.Gly164Ter (NM_001406813.1); c.-511G>T (NM_001406814.1); and 3 more; short protein forms G136*, G162*, G164*, G63*, G106*, G194*.
Identifiers: ClinVar variation 1743569 (VCV001743569.2), dbSNP rs1183989693, ClinGen allele CA346738613.

ClinVar aggregate classification (germline): Pathogenic (1 of 4 stars; one submission).

Conditions:
Hereditary cancer-predisposing syndrome. Also called: Hereditary Cancer Syndrome; Neoplastic Syndromes, Hereditary; Tumor predisposition; Hereditary neoplastic syndrome. Identifiers: Orphanet 140162, MedGen C0027672, MeSH D009386, MONDO:0015356.

Submission:

Ambry Genetics
Classification: Pathogenic for Hereditary cancer-predisposing syndrome. Last evaluated: 2021-02-24. Review status: criteria provided, single submitter. Criteria: Ambry Variant Classification Scheme 2023. Collection method: clinical testing. Allele origin: germline.
Comment: The p.G162* pathogenic mutation (also known as c.484G>T), located in coding exon 3 of the MSH6 gene, results from a G to T substitution at nucleotide position 484. This changes the amino acid from a glycine to a stop codon within coding exon 3. This alteration is expected to result in loss of function by premature protein truncation or nonsense-mediated mRNA decay. As such, this alteration is interpreted as a disease-causing mutation.